The following is an entry in ClinVar:

ClinVar aggregate classification (germline): Uncertain significance (1 of 4 stars; one submission).

gnomAD v4.1: 1 of 1,539,640 alleles (0.000065%); highest among the groups gnomAD compares: Non-Finnish European, 0.000088%; no homozygotes.

Submission:

Ambry Genetics
Classification: Uncertain significance. Last evaluated: 2026-02-24. Review status: criteria provided, single submitter. Criteria: Ambry Variant Classification Scheme 2023. Collection method: clinical testing. Allele origin: germline.
Comment: The p.A166T variant (also known as c.496G>A), located in coding exon 3 of the GFI1 gene, results from a G to A substitution at nucleotide position 496. The alanine at codon 166 is replaced by threonine, an amino acid with similar properties. This amino acid position is conserved. In addition, this alteration is predicted to be tolerated by in silico analysis. Based on the available evidence, the clinical significance of this variant remains unclear.

NM_005263.5(GFI1):c.496G>A (p.Ala166Thr)

Gene: GFI1 (growth factor independent 1 transcriptional repressor; minus strand). Cytogenetic location: 1p22.1.
Variant type: single nucleotide variant.
Coding change: c.496G>A on transcript NM_005263.5 (MANE Select); coding-DNA position 496, G replaced by A.
Protein change: p.Ala166Thr; replaces alanine 166 with threonine.
Molecular consequence: missense variant.
Genome position (GRCh38, 1-based): chr1:92,480,891, C>T on the plus strand (G>A on the coding strand, the complement: GFI1 is on the minus strand). VCF-style: chr1-92480891-C-T. GRCh37 (hg19) VCF-style: chr1-92946448-C-T.
Other names: c.496G>A, p.Ala166Thr (NM_001127215.3, NM_001127216.3); short protein forms A166T.
Identifiers: ClinVar variation 4827128 (VCV004827128.1).